The following is an entry in ClinVar:

ClinVar aggregate classification (germline): Likely benign. Review status: criteria provided, single submitter (1 of 4 stars). 2 submissions from 2 submitters: Likely benign (1). 1 of the submissions does not count toward it. Last evaluated 2025-02-27.

Conditions:
KIF7-related disorder. Also called: KIF7-related condition.
Acrocallosal syndrome (ACLS). Also called: HALLUX DUPLICATION, POSTAXIAL POLYDACTYLY, AND ABSENCE OF CORPUS CALLOSUM; Schinzel syndrome 1; Absence of corpus callosum with unusual facial appearance, mental deficiency, duplication of the halluces and polydactyly. Identifiers: Orphanet 36, MedGen C0796147, MONDO:0008708, OMIM 200990.

Allele frequency attached by ClinVar (database versions not stated): gnomAD 0.00001 and 0.00002.
gnomAD v4.1: 5 of 1,610,344 alleles (0.00031%); highest among the groups gnomAD compares: African/African-American, 0.0053%; no homozygotes.

Submissions (2):

Labcorp Genetics (formerly Invitae), Labcorp
Classification: Likely benign for Acrocallosal syndrome. Last evaluated: 2025-02-27. Review status: criteria provided, single submitter. Criteria: Invitae Variant Classification Sherloc (09022015). Collection method: clinical testing. Allele origin: germline.

PreventionGenetics, part of Exact Sciences
Classification: Likely benign for KIF7-related condition. Last evaluated: 2022-06-24. Review status: no assertion criteria provided. Collection method: clinical testing. Allele origin: germline. Not counted in ClinVar's aggregate classification.
Comment: This variant is classified as likely benign based on ACMG/AMP sequence variant interpretation guidelines (Richards et al. 2015 PMID: 25741868, with internal and published modifications).

NM_198525.3(KIF7):c.3423C>G (p.Ala1141=)

Genes: KIF7 (kinesin family member 7; minus strand), LOC126862216 (BRD4-independent group 4 enhancer GRCh37_chr15:90171995-90173194; plus strand). Cytogenetic location: 15q26.1.
Variant type: single nucleotide variant.
Coding change: c.3423C>G on transcript NM_198525.3 (MANE Select); coding-DNA position 3423, C replaced by G.
Protein change: p.Ala1141=; no amino-acid change (alanine 1141 retained).
Molecular consequence: synonymous variant.
Genome position (GRCh38, 1-based): chr15:89,629,469, G>C on the plus strand (C>G on the coding strand, the complement: KIF7 is on the minus strand). VCF-style: chr15-89629469-G-C. GRCh37 (hg19) VCF-style: chr15-90172700-G-C.
Other names: c.3423C>G (NM_198525.2).
Identifiers: ClinVar variation 1651345 (VCV001651345.10), dbSNP rs563944213, ClinGen allele CA274563769.